The following is an entry in ClinVar:

ClinVar aggregate classification (germline): Pathogenic/Likely pathogenic. Review status: criteria provided, multiple submitters, no conflicts (2 of 4 stars). 3 submissions from 3 submitters: Pathogenic (1); Likely pathogenic (2). Last evaluated 2026-07-27.

Conditions:
CTCF-related neurodevelopmental disorder. Also called: Intellectual disability-feeding difficulties-developmental delay-microcephaly syndrome; INTELLECTUAL DEVELOPMENTAL DISORDER, AUTOSOMAL DOMINANT 21. Identifiers: Orphanet 363611, MedGen C3809686, MONDO:0014213, OMIM 615502.

Allele frequency attached by ClinVar (database versions not stated): gnomAD exomes below 0.00001.
gnomAD v4.1: 3 of 1,614,126 alleles (0.00019%); highest among the groups gnomAD compares: Non-Finnish European, 0.00025%; no homozygotes.

Submissions (3):

Institute of Human Genetics, University of Leipzig Medical Center
Classification: Likely pathogenic for CTCF-related neurodevelopmental disorder. Last evaluated: 2026-07-27. Review status: criteria provided, single submitter. Criteria: ACMG Guidelines, 2015. Collection method: clinical testing. Allele origin: unknown. Inheritance: Autosomal dominant inheritance. Affected: yes.
Comment: Criteria applied: PM1,PM5,PS4_SUP,PP2

GeneDx
Classification: Pathogenic. Last evaluated: 2024-07-23. Review status: criteria provided, single submitter. Criteria: GeneDx Variant Classification Process June 2021. Collection method: clinical testing. Allele origin: germline. Affected: yes.
Comment: Not observed at significant frequency in large population cohorts (gnomAD); In silico analysis supports that this missense variant has a deleterious effect on protein structure/function; This variant is associated with the following publications: (PMID: 36454652, 28319062, KangSR[2023]article, 31239556)

Suma Genomics
Classification: Likely pathogenic for CTCF-related neurodevelopmental disorder. Review status: criteria provided, single submitter. Criteria: ACMG Guidelines, 2015. Collection method: clinical testing. Allele origin: unknown. Inheritance: Autosomal dominant inheritance. Affected: yes.

NM_006565.4(CTCF):c.1025G>A (p.Arg342His)

Gene: CTCF (CCCTC-binding factor; plus strand). Cytogenetic location: 16q22.1.
Variant type: single nucleotide variant.
Coding change: c.1025G>A on transcript NM_006565.4 (MANE Select); coding-DNA position 1025, G replaced by A.
Protein change: p.Arg342His; replaces arginine 342 with histidine.
Molecular consequence: missense variant.
Genome position (GRCh38, 1-based): chr16:67,616,817, G>A. VCF-style: chr16-67616817-G-A. GRCh37 (hg19) VCF-style: chr16-67650720-G-A.
Other names: c.41G>A, p.Arg14His (NM_001191022.2); c.1025G>A, p.Arg342His (NM_001363916.2); short protein forms R14H, R342H.
Identifiers: ClinVar variation 1220439 (VCV001220439.15), dbSNP rs1002125753, ClinGen allele CA396312252.